The following is an entry in ClinVar:

NM_002221.4(ITPKB):c.151G>A (p.Gly51Arg)

Genes: ITPKB (inositol-trisphosphate 3-kinase B; minus strand), LOC129932672 (ATAC-STARR-seq lymphoblastoid silent region 1890; plus strand). Cytogenetic location: 1q42.12.
Variant type: single nucleotide variant.
Coding change: c.151G>A on transcript NM_002221.4 (MANE Select); coding-DNA position 151, G replaced by A.
Protein change: p.Gly51Arg; replaces glycine 51 with arginine.
Molecular consequence: missense variant.
Genome position (GRCh38, 1-based): chr1:226,737,308, C>T on the plus strand (G>A on the coding strand, the complement: ITPKB is on the minus strand). VCF-style: chr1-226737308-C-T. GRCh37 (hg19) VCF-style: chr1-226925009-C-T.
Other names: c.151G>A, p.Gly51Arg (NM_001388404.1); short protein forms G51R.
Identifiers: ClinVar variation 2596387 (VCV002596387.4), dbSNP rs539639164, ClinGen allele CA1424269.
Genomic context (GRCh38, chr1:226,737,308, plus strand): 5'-TCCGGGGCTCCTCGGGGGACAGCGACTCGGCTGGGGGGAAGAGGAAAGAGGCGCCTCTCC[C>T]GGGGCTGAAAACGCTGCCGGGGCTCAGCACTGCCCTCCTCGGGGGCGGGGGCGTCTCGCT-3'
Protein context (NP_002212.3, residues 41-61): VLSPGSVFSP[Gly51Arg]RGASFLFPPA

ClinVar aggregate classification (germline): Uncertain significance. Review status: criteria provided, single submitter (1 of 4 stars). 2 submissions from 2 submitters: Uncertain significance (1). 1 of the submissions does not count toward it. Last evaluated 2023-07-19.

Conditions:
ITPKB-related disorder. Also called: ITPKB-related condition.

Allele frequency attached by ClinVar (database versions not stated): TOPMed 0.00002; gnomAD 0.00006; gnomAD exomes 0.00010; 1000 Genomes Project 30x 0.00031; 1000 Genomes Project 0.00040; ExAC 0.00052.
gnomAD v4.1: 155 of 1,580,192 alleles (0.0098%); highest among the groups gnomAD compares: South Asian, 0.15%; 3 homozygotes.

Submissions (2):

Ambry Genetics
Classification: Uncertain significance. Last evaluated: 2023-07-19. Review status: criteria provided, single submitter. Criteria: Ambry Variant Classification Scheme 2023. Collection method: clinical testing. Allele origin: germline.

PreventionGenetics, part of Exact Sciences
Classification: Likely benign for ITPKB-related condition. Last evaluated: 2022-11-19. Review status: no assertion criteria provided. Collection method: clinical testing. Allele origin: germline. Not counted in ClinVar's aggregate classification.
Comment: This variant is classified as likely benign based on ACMG/AMP sequence variant interpretation guidelines (Richards et al. 2015 PMID: 25741868, with internal and published modifications).